The following is an entry in ClinVar:

NM_024757.5(EHMT1):c.3014C>T (p.Pro1005Leu)

Gene: EHMT1 (euchromatic histone lysine methyltransferase 1; plus strand). Cytogenetic location: 9q34.3.
Variant type: single nucleotide variant.
Coding change: c.3014C>T on transcript NM_024757.5 (MANE Select); coding-DNA position 3014, C replaced by T.
Protein change: p.Pro1005Leu; replaces proline 1005 with leucine.
Molecular consequence: missense variant.
Genome position (GRCh38, 1-based): chr9:137,813,152, C>T. VCF-style: chr9-137813152-C-T. GRCh37 (hg19) VCF-style: chr9-140707604-C-T.
Other names: c.2993C>T, p.Pro998Leu (NM_001354263.2); short protein forms P1005L, P998L.
Identifiers: ClinVar variation 4885091 (VCV004885091.2).

ClinVar aggregate classification (germline): Uncertain significance (1 of 4 stars; one submission).

Submission:

Dasa
Classification: Uncertain significance. Last evaluated: 2026-03-05. Review status: criteria provided, single submitter. Criteria: DASA Assertion Criteria. Collection method: clinical testing. Allele origin: germline.
Comment: NM_024757.5(EHMT1):c.3014C>T (p.Pro1005Leu) is a missense variant that results in the substitution of proline with leucine. This variant is rare in population databases. Computational prediction algorithms are consistent with a benign effect. The currently available literature and clinical evidence are not sufficient to establish a definitive association between this variant and the reported condition. Therefore, this variant is classified as a variant of uncertain significance.